The following is an entry in ClinVar:

NM_001077653.2(TBX20):c.632A>T (p.Asn211Ile)

Gene: TBX20 (T-box transcription factor 20; minus strand). Cytogenetic location: 7p14.2.
Variant type: single nucleotide variant.
Coding change: c.632A>T on transcript NM_001077653.2 (MANE Select); coding-DNA position 632, A replaced by T.
Protein change: p.Asn211Ile; replaces asparagine 211 with isoleucine.
Molecular consequence: missense variant.
Genome position (GRCh38, 1-based): chr7:35,244,971, T>A on the plus strand (A>T on the coding strand, the complement: TBX20 is on the minus strand). VCF-style: chr7-35244971-T-A. GRCh37 (hg19) VCF-style: chr7-35284583-T-A.
Other names: c.632A>T, p.Asn211Ile (NM_001166220.1, LRG_755t1); short protein forms N211I.
Identifiers: ClinVar variation 392101 (VCV000392101.2), dbSNP rs1057524359, ClinGen allele CA16605795.

ClinVar aggregate classification (germline): Uncertain significance (1 of 4 stars; one submission).

Submission:

GeneDx
Classification: Uncertain significance. Last evaluated: 2016-12-28. Review status: criteria provided, single submitter. Criteria: GeneDx Variant Classification (06012015). Collection method: clinical testing. Allele origin: germline. Affected: yes.
Comment: The N211I variant in the TBX20 gene has not been reported previously as a pathogenic variant, nor as a benign variant, to our knowledge. The N211I variant was not observed in approximately 6500 individuals of European and African American ancestry in the NHLBI Exome Sequencing Project, indicating it is not a common benign variant in these populations. The N211I variant is a non-conservative amino acid substitution, which is likely to impact secondary protein structure as these residues differ in polarity, charge, size and/or other properties. This substitution occurs at a position that is not conserved. In silico analysis predicts this variant is probably damaging to the protein structure/function. We interpret N211I as a variant of uncertain significance.